The following is an entry in ClinVar:

NM_001369.3(DNAH5):c.12958G>A (p.Ala4320Thr)

Gene: DNAH5 (dynein axonemal heavy chain 5; minus strand). Cytogenetic location: 5p15.2.
Variant type: single nucleotide variant.
Coding change: c.12958G>A on transcript NM_001369.3 (MANE Select); coding-DNA position 12958, G replaced by A.
Protein change: p.Ala4320Thr; replaces alanine 4320 with threonine.
Molecular consequence: missense variant.
Genome position (GRCh38, 1-based): chr5:13,714,572, C>T on the plus strand (G>A on the coding strand, the complement: DNAH5 is on the minus strand). VCF-style: chr5-13714572-C-T. GRCh37 (hg19) VCF-style: chr5-13714681-C-T.
Other names: short protein forms A4320T.
Identifiers: ClinVar variation 970199 (VCV000970199.9), dbSNP rs377316131, ClinGen allele CA3201486.

ClinVar aggregate classification (germline): Uncertain significance. Review status: criteria provided, multiple submitters, no conflicts (2 of 4 stars). 3 submissions from 3 submitters: Uncertain significance (2). 1 of the submissions does not count toward it. Last evaluated 2026-10-24.

Conditions:
Primary ciliary dyskinesia. Also called: Ciliary dyskinesia. Identifiers: Orphanet 244, MedGen C0008780, MONDO:0016575, HP:0012265.

Allele frequency attached by ClinVar (database versions not stated): ExAC 0.00001; gnomAD 0.00001; gnomAD exomes 0.00002 and 0.00001; ESP Exome Variant Server 0.00008; TOPMed 0.00003.
gnomAD v4.1: 21 of 1,614,048 alleles (0.0013%); highest among the groups gnomAD compares: Middle Eastern, 0.033%; no homozygotes.

Submissions (3):

GeneDx
Classification: Uncertain significance. Last evaluated: 2026-10-24. Review status: criteria provided, single submitter. Criteria: GeneDx Variant Classification Process June 2021. Collection method: clinical testing. Allele origin: germline.
Comment: In silico analysis supports that this missense variant has a deleterious effect on protein structure/function; Has not been previously published as pathogenic or benign to our knowledge

Labcorp Genetics (formerly Invitae), Labcorp
Classification: Uncertain significance for Primary ciliary dyskinesia. Last evaluated: 2021-11-04. Review status: criteria provided, single submitter. Criteria: Invitae Variant Classification Sherloc (09022015). Collection method: clinical testing. Allele origin: germline.
Comment: This sequence change replaces alanine, which is neutral and non-polar, with threonine, which is neutral and polar, at codon 4320 of the DNAH5 protein (p.Ala4320Thr). This variant is present in population databases (rs377316131, gnomAD 0.004%). This variant has not been reported in the literature in individuals affected with DNAH5-related conditions. ClinVar contains an entry for this variant (Variation ID: 970199). Advanced modeling of protein sequence and biophysical properties (such as structural, functional, and spatial information, amino acid conservation, physicochemical variation, residue mobility, and thermodynamic stability) performed at Invitae indicates that this missense variant is not expected to disrupt DNAH5 protein function. In summary, the available evidence is currently insufficient to determine the role of this variant in disease. Therefore, it has been classified as a Variant of Uncertain Significance.

Natera, Inc.
Classification: Uncertain significance for Primary ciliary dyskinesia. Last evaluated: 2020-02-05. Review status: no assertion criteria provided. Collection method: clinical testing. Allele origin: germline. Not counted in ClinVar's aggregate classification.